The following is an entry in ClinVar:

ClinVar aggregate classification (germline): Uncertain significance. Review status: criteria provided, multiple submitters, no conflicts (2 of 4 stars). 3 submissions from 3 submitters: Uncertain significance (3). Last evaluated 2025-07-28.

Conditions:
Hereditary cancer-predisposing syndrome. Also called: Neoplastic Syndromes, Hereditary; Hereditary Cancer Syndrome; Tumor predisposition; Hereditary neoplastic syndrome. Identifiers: Orphanet 140162, MedGen C0027672, MeSH D009386, MONDO:0015356.
Retinoblastoma (RB1). Also called: RETINOBLASTOMA, SOMATIC. Identifiers: Orphanet 790, MedGen C0035335, MeSH D012175, MONDO:0008380, OMIM 180200, HP:0009919. Disease mechanism: loss of function. Inheritance: Both sporadic and heritable forms are tested..

Allele frequency attached by ClinVar (database versions not stated): gnomAD exomes below 0.00001.
gnomAD v4.1: 1 of 1,613,626 alleles (0.000062%); highest among the groups gnomAD compares: Non-Finnish European, 0.000085%; no homozygotes.

Submissions (3):

Color Diagnostics, LLC DBA Color Health
Classification: Uncertain significance for Retinoblastoma. Last evaluated: 2025-07-28. Review status: criteria provided, single submitter. Criteria: ACMG Guidelines, 2015. Collection method: clinical testing. Allele origin: germline.
Comment: This missense variant replaces valine with leucine at codon 243 of the RB1 protein. Computational prediction suggests that this variant may not impact protein structure and function. To our knowledge, functional studies have not been reported for this variant. This variant has not been reported in individuals affected with RB1-related disorders in the literature. This variant has not been identified in the general population by the Genome Aggregation Database (gnomAD). The available evidence is insufficient to determine the role of this variant in disease conclusively. Therefore, this variant is classified as a Variant of Uncertain Significance.

Ambry Genetics
Classification: Uncertain significance for Hereditary cancer-predisposing syndrome. Last evaluated: 2022-08-09. Review status: criteria provided, single submitter. Criteria: Ambry Variant Classification Scheme 2023. Collection method: clinical testing. Allele origin: germline.
Comment: The p.V243L variant (also known as c.727G>C), located in coding exon 8 of the RB1 gene, results from a G to C substitution at nucleotide position 727. The valine at codon 243 is replaced by leucine, an amino acid with highly similar properties. This amino acid position is conserved. In addition, this alteration is predicted to be tolerated by in silico analysis. Since supporting evidence is limited at this time, the clinical significance of this alteration remains unclear.

Labcorp Genetics (formerly Invitae), Labcorp
Classification: Uncertain significance for Retinoblastoma. Last evaluated: 2020-07-27. Review status: criteria provided, single submitter. Criteria: Invitae Variant Classification Sherloc (09022015). Collection method: clinical testing. Allele origin: germline.
Comment: This sequence change replaces valine with leucine at codon 243 of the RB1 protein (p.Val243Leu). The valine residue is moderately conserved and there is a small physicochemical difference between valine and leucine. This variant is not present in population databases (ExAC no frequency). This variant has not been reported in the literature in individuals with RB1-related conditions. Algorithms developed to predict the effect of missense changes on protein structure and function (SIFT, PolyPhen-2, Align-GVGD) all suggest that this variant is likely to be tolerated, but these predictions have not been confirmed by published functional studies and their clinical significance is uncertain. In summary, the available evidence is currently insufficient to determine the role of this variant in disease. Therefore, it has been classified as a Variant of Uncertain Significance.

NM_000321.3(RB1):c.727G>C (p.Val243Leu)

Gene: RB1 (RB transcriptional corepressor 1; plus strand). Cytogenetic location: 13q14.2.
Variant type: single nucleotide variant.
Coding change: c.727G>C on transcript NM_000321.3 (MANE Select); coding-DNA position 727, G replaced by C.
Protein change: p.Val243Leu; replaces valine 243 with leucine.
Molecular consequence: missense variant.
Genome position (GRCh38, 1-based): chr13:48,362,823, G>C. VCF-style: chr13-48362823-G-C. GRCh37 (hg19) VCF-style: chr13-48936959-G-C.
Other names: short protein forms V243L.
Identifiers: ClinVar variation 1037070 (VCV001037070.11), dbSNP rs1952655034, ClinGen allele CA388159242.